The following is an entry in ClinVar:

ClinVar aggregate classification (germline): Likely pathogenic (1 of 4 stars; one submission).

Allele frequency attached by ClinVar (database versions not stated): gnomAD 0.00001; gnomAD exomes 0.00001; TOPMed 0.00001.
gnomAD v4.1: 16 of 1,611,276 alleles (0.00099%); highest among the groups gnomAD compares: Non-Finnish European, 0.0011%; no homozygotes.

Submission:

Labcorp Genetics (formerly Invitae), Labcorp
Classification: Likely pathogenic. Last evaluated: 2023-08-04. Review status: criteria provided, single submitter. Criteria: Invitae Variant Classification Sherloc (09022015). Collection method: clinical testing. Allele origin: germline.
Comment: This sequence change affects a donor splice site in intron 55 of the SZT2 gene. It is expected to disrupt RNA splicing. Variants that disrupt the donor or acceptor splice site typically lead to a loss of protein function (PMID: 16199547), and loss-of-function variants in SZT2 are known to be pathogenic (PMID: 23932106, 27248490, 28556953). This variant is not present in population databases (gnomAD no frequency). This variant has not been reported in the literature in individuals affected with SZT2-related conditions. Algorithms developed to predict the effect of sequence changes on RNA splicing suggest that this variant may disrupt the consensus splice site. In summary, the currently available evidence indicates that the variant is pathogenic, but additional data are needed to prove that conclusively. Therefore, this variant has been classified as Likely Pathogenic.

Literature cited by the submitters: PubMed 16199547; PubMed 23932106; PubMed 27248490; PubMed 28556953.

NM_001365999.1(SZT2):c.7873+1G>T

Gene: SZT2 (SZT2 subunit of KICSTOR complex; plus strand). Cytogenetic location: 1p34.2.
Variant type: single nucleotide variant.
Coding change: c.7873+1G>T on transcript NM_001365999.1 (MANE Select); the canonical splice donor site of the intron after coding-DNA position 7873, G replaced by T.
Molecular consequence: splice donor variant.
Genome position (GRCh38, 1-based): chr1:43,442,131, G>T. VCF-style: chr1-43442131-G-T. GRCh37 (hg19) VCF-style: chr1-43907802-G-T.
Other names: c.7702+1G>T (NM_015284.4).
Identifiers: ClinVar variation 2845461 (VCV002845461.1), dbSNP rs1340400889, ClinGen allele CA340036456.